The following is an entry in ClinVar:

NM_001267550.2(TTN):c.45837_45838del (p.Ser15280fs)

Gene: TTN (titin; minus strand). Cytogenetic location: 2q31.2.
Variant type: Microsatellite.
Coding change: c.45837_45838del on transcript NM_001267550.2 (MANE Select); coding-DNA positions 45837 to 45838, 2 bases deleted (GT; older notation c.45837_45838delGT).
Protein change: p.Ser15280fs; shifts the reading frame from serine 15280.
Molecular consequence: frameshift variant.
Genome position (GRCh38, 1-based): chr2:178,620,772-178,620,773, AC deleted on the plus strand (GT on the coding strand, the reverse complement: TTN is on the minus strand); deleting any 2 consecutive bases within chr2:178,620,772-178,620,776 gives the same sequence; the c. name uses the placement nearest the transcript's 3' end. VCF-style (leftmost placement, unchanged base first): chr2-178620771-GAC-G. GRCh37 (hg19) VCF-style: chr2-179485498-GAC-G.
Other names: c.40914_40915del, p.Ser13639fs (NM_001256850.1); c.18642_18643del, p.Ser6215fs (NM_003319.4); c.38133_38134del, p.Ser12712fs (NM_133378.4); c.19017_19018del, p.Ser6340fs (NM_133432.3); c.19218_19219del, p.Ser6407fs (NM_133437.4); short protein forms S12712fs, S6340fs, S6407fs, S6215fs, S13639fs, S15280fs.
Identifiers: ClinVar variation 862464 (VCV000862464.10), dbSNP rs2058146182, ClinGen allele CA916081348.

ClinVar aggregate classification (germline): Likely pathogenic (1 of 4 stars; one submission).

Conditions:
Dilated cardiomyopathy 1G (CMD1G). Identifiers: Orphanet 154, MedGen C1858763, MONDO:0011400, OMIM 604145.
Autosomal recessive limb-girdle muscular dystrophy type 2J (LGMDR10). Also called: Limb-girdle muscular dystrophy, type 2J; MUSCULAR DYSTROPHY, LIMB-GIRDLE, AUTOSOMAL RECESSIVE 10. Identifiers: Orphanet 140922, MedGen C1837342, MONDO:0012127, OMIM 608807.

Submission:

Labcorp Genetics (formerly Invitae), Labcorp
Classification: Likely pathogenic for Dilated cardiomyopathy 1G; Autosomal recessive limb-girdle muscular dystrophy type 2J. Last evaluated: 2024-07-01. Review status: criteria provided, single submitter. Criteria: Invitae Variant Classification Sherloc (09022015). Collection method: clinical testing. Allele origin: germline.
Comment: This sequence change creates a premature translational stop signal (p.Ser15280Phefs*7) in the TTN gene. While this is not anticipated to result in nonsense mediated decay, it is expected to create a truncated TTN protein. This variant is not present in population databases (gnomAD no frequency). This variant has not been reported in the literature in individuals affected with TTN-related conditions. ClinVar contains an entry for this variant (Variation ID: 862464). This variant is located in the I band of TTN (PMID: 25589632). Truncating variants in this region have been reported in individuals affected with autosomal recessive centronuclear myopathy (PMID: 23975875, Invitae internal data). Truncating variants in this region have also been identified in individuals affected with autosomal dominant dilated cardiomyopathy and/or cardio-related conditions (PMID: 27869827, 32964742, Invitae internal data). In summary, the currently available evidence indicates that the variant is pathogenic, but additional data are needed to prove that conclusively. Therefore, this variant has been classified as Likely Pathogenic.

Literature cited by the submitters: PubMed 25589632; PubMed 23975875; PubMed 27869827; PubMed 32964742.